The following is an entry in ClinVar:

NM_001005242.3(PKP2):c.2186A>C (p.Asp729Ala)

Gene: PKP2 (plakophilin 2; minus strand). Cytogenetic location: 12p11.21.
Variant type: single nucleotide variant.
Coding change: c.2186A>C on transcript NM_001005242.3 (MANE Select); coding-DNA position 2186, A replaced by C.
Protein change: p.Asp729Ala; replaces aspartic acid 729 with alanine.
Molecular consequence: missense variant.
Genome position (GRCh38, 1-based): chr12:32,796,280, T>G on the plus strand (A>C on the coding strand, the complement: PKP2 is on the minus strand). VCF-style: chr12-32796280-T-G. GRCh37 (hg19) VCF-style: chr12-32949214-T-G.
Other names: c.2318A>C, p.Asp773Ala (NM_004572.4); short protein forms D773A, D729A.
Identifiers: ClinVar variation 841467 (VCV000841467.10), dbSNP rs1956123004, ClinGen allele CA384357939.

ClinVar aggregate classification (germline): Uncertain significance. Review status: criteria provided, multiple submitters, no conflicts (2 of 4 stars). 3 submissions from 3 submitters: Uncertain significance (3). Last evaluated 2025-07-17.

Conditions:
Cardiovascular phenotype. Identifiers: MedGen CN230736.
Cardiomyopathy (CMYO). Also called: Cardiomyopathies. Identifiers: Orphanet 167848, MedGen C0878544, MONDO:0004994, HP:0001638. Inheritance: Various modes of inheritance.
Arrhythmogenic right ventricular dysplasia 9 (ARVD9). Also called: Arrhythmogenic Right Ventricular Dysplasia/Cardiomyopathy 9; ARRHYTHMOGENIC RIGHT VENTRICULAR DYSPLASIA, FAMILIAL, 9. Identifiers: MedGen C1836906, MONDO:0012180, OMIM 609040.

Allele frequency attached by ClinVar (database versions not stated): gnomAD exomes 0.00001.
gnomAD v4.1: 4 of 1,611,138 alleles (0.00025%); highest among the groups gnomAD compares: Non-Finnish European, 0.00034%; no homozygotes.

Submissions (3):

Color Diagnostics, LLC DBA Color Health
Classification: Uncertain significance for Cardiomyopathy. Last evaluated: 2025-07-17. Review status: criteria provided, single submitter. Criteria: ACMG Guidelines, 2015. Collection method: clinical testing. Allele origin: germline.
Comment: This missense variant replaces aspartic acid with alanine at codon 773 of the PKP2 protein. Computational prediction suggests that this variant may not impact protein structure and function. To our knowledge, functional studies have not been reported for this variant. This variant has not been reported in individuals affected with PKP2-related disorders in the literature. This variant has not been identified in the general population by the Genome Aggregation Database (gnomAD). The available evidence is insufficient to determine the role of this variant in disease conclusively. Therefore, this variant is classified as a Variant of Uncertain Significance.

Ambry Genetics
Classification: Uncertain significance for Cardiovascular phenotype. Last evaluated: 2023-12-27. Review status: criteria provided, single submitter. Criteria: Ambry Variant Classification Scheme 2023. Collection method: clinical testing. Allele origin: germline.

Labcorp Genetics (formerly Invitae), Labcorp
Classification: Uncertain significance for Arrhythmogenic right ventricular dysplasia 9. Last evaluated: 2019-03-06. Review status: criteria provided, single submitter. Criteria: Invitae Variant Classification Sherloc (09022015). Collection method: clinical testing. Allele origin: germline.
Comment: In summary, the available evidence is currently insufficient to determine the role of this variant in disease. Therefore, it has been classified as a Variant of Uncertain Significance. Algorithms developed to predict the effect of missense changes on protein structure and function (SIFT, PolyPhen-2, Align-GVGD) all suggest that this variant is likely to be disruptive, but these predictions have not been confirmed by published functional studies and their clinical significance is uncertain. This variant has not been reported in the literature in individuals with PKP2-related conditions. This variant is not present in population databases (ExAC no frequency). This sequence change replaces aspartic acid with alanine at codon 773 of the PKP2 protein (p.Asp773Ala). The aspartic acid residue is highly conserved and there is a moderate physicochemical difference between aspartic acid and alanine.